The following is an entry in ClinVar:

NM_000222.3(KIT):c.*1487_*1490del

Gene: KIT (KIT proto-oncogene, receptor tyrosine kinase; plus strand). Cytogenetic location: 4q12.
Variant type: Deletion.
Coding change: c.*1487_*1490del on transcript NM_000222.3 (MANE Select); 1487 bases downstream of the stop codon through 1490 bases downstream of the stop codon, 4 bases deleted (AAAA; older notation c.*1487_*1490delAAAA).
Molecular consequence: 3 prime UTR variant.
Genome position (GRCh38, 1-based): chr4:54,740,044-54,740,047, AAAA deleted; deleting any 4 consecutive bases within chr4:54,740,042-54,740,047 gives the same sequence; the c. name uses the placement nearest the transcript's 3' end. VCF-style (leftmost placement, unchanged base first): chr4-54740041-CAAAA-C. GRCh37 (hg19) VCF-style: chr4-55606207-CAAAA-C.
Other names: c.*1487_*1490del (NM_001093772.2, NM_001385284.1, NM_001385285.1 and 4 more transcripts).
Identifiers: ClinVar variation 348970 (VCV000348970.29), dbSNP rs374796688, ClinGen allele CA10621216.

ClinVar aggregate classification (germline): Likely benign (1 of 4 stars; one submission).

Submission:

CeGaT Center for Human Genetics Tuebingen
Classification: Likely benign. Last evaluated: 2023-03-01. Review status: criteria provided, single submitter. Criteria: CeGaT Center For Human Genetics Tuebingen Variant Classification Criteria Version 2. Collection method: clinical testing. Allele origin: germline. Affected: yes. Observed: 2 variant alleles.
Comment: KIT: BS1